The following is an entry in ClinVar:

NM_005245.4(FAT1):c.11224G>T (p.Asp3742Tyr)

Genes: FAT1 (FAT atypical cadherin 1; minus strand), LOC126807254 (BRD4-independent group 4 enhancer GRCh37_chr4:187524269-187525468; plus strand). Cytogenetic location: 4q35.2.
Variant type: single nucleotide variant.
Coding change: c.11224G>T on transcript NM_005245.4 (MANE Select); coding-DNA position 11224, G replaced by T.
Protein change: p.Asp3742Tyr; replaces aspartic acid 3742 with tyrosine.
Molecular consequence: missense variant.
Genome position (GRCh38, 1-based): chr4:186,603,302, C>A on the plus strand (G>T on the coding strand, the complement: FAT1 is on the minus strand). VCF-style: chr4-186603302-C-A. GRCh37 (hg19) VCF-style: chr4-187524456-C-A.
Other names: short protein forms D3742Y.
Identifiers: ClinVar variation 1401758 (VCV001401758.8), dbSNP rs199719692, ClinGen allele CA3165163.

ClinVar aggregate classification (germline): Uncertain significance (1 of 4 stars; one submission).

Allele frequency attached by ClinVar (database versions not stated): TOPMed 0.00017; 1000 Genomes Project 0.00020; gnomAD 0.00020 and 0.00021; ExAC 0.00002; gnomAD exomes 0.00002 and 0.00003; 1000 Genomes Project 30x 0.00016.
gnomAD v4.1: 69 of 1,613,946 alleles (0.0043%); highest among the groups gnomAD compares: African/African-American, 0.079%; no homozygotes.

Submission:

Labcorp Genetics (formerly Invitae), Labcorp
Classification: Uncertain significance. Last evaluated: 2025-12-08. Review status: criteria provided, single submitter. Criteria: Invitae Variant Classification Sherloc (09022015). Collection method: clinical testing. Allele origin: germline.
Comment: This sequence change replaces aspartic acid, which is acidic and polar, with tyrosine, which is neutral and polar, at codon 3742 of the FAT1 protein (p.Asp3742Tyr). This variant is present in population databases (rs199719692, gnomAD 0.07%). This variant has not been reported in the literature in individuals affected with FAT1-related conditions. ClinVar contains an entry for this variant (Variation ID: 1401758). An algorithm developed to predict the effect of missense changes on protein structure and function (PolyPhen-2) suggests that this variant is likely to be disruptive. In summary, the available evidence is currently insufficient to determine the role of this variant in disease. Therefore, it has been classified as a Variant of Uncertain Significance.